The following is an entry in ClinVar:

ClinVar aggregate classification (germline): Uncertain significance. Review status: criteria provided, multiple submitters, no conflicts (2 of 4 stars). 2 submissions from 2 submitters: Uncertain significance (2). Last evaluated 2025-08-04.

Allele frequency attached by ClinVar (database versions not stated): gnomAD exomes 0.00001; ExAC 0.00002.
gnomAD v4.1: 11 of 1,612,864 alleles (0.00068%); highest among the groups gnomAD compares: South Asian, 0.0022%; no homozygotes.

Submissions (2):

Ambry Genetics
Classification: Uncertain significance. Last evaluated: 2025-08-04. Review status: criteria provided, single submitter. Criteria: Ambry Variant Classification Scheme 2023. Collection method: clinical testing. Allele origin: germline.

Labcorp Genetics (formerly Invitae), Labcorp
Classification: Uncertain significance. Last evaluated: 2022-02-25. Review status: criteria provided, single submitter. Criteria: Invitae Variant Classification Sherloc (09022015). Collection method: clinical testing. Allele origin: germline.
Comment: This sequence change replaces alanine, which is neutral and non-polar, with threonine, which is neutral and polar, at codon 2214 of the CACNA1B protein (p.Ala2214Thr). This variant is present in population databases (rs754203811, gnomAD 0.003%). This variant has not been reported in the literature in individuals affected with CACNA1B-related conditions. Advanced modeling of protein sequence and biophysical properties (such as structural, functional, and spatial information, amino acid conservation, physicochemical variation, residue mobility, and thermodynamic stability) performed at Invitae indicates that this missense variant is not expected to disrupt CACNA1B protein function. In summary, the available evidence is currently insufficient to determine the role of this variant in disease. Therefore, it has been classified as a Variant of Uncertain Significance.

NM_000718.4(CACNA1B):c.6640G>A (p.Ala2214Thr)

Gene: CACNA1B (calcium voltage-gated channel subunit alpha1 B; plus strand). Cytogenetic location: 9q34.3.
Variant type: single nucleotide variant.
Coding change: c.6640G>A on transcript NM_000718.4 (MANE Select); coding-DNA position 6640, G replaced by A.
Protein change: p.Ala2214Thr; replaces alanine 2214 with threonine.
Molecular consequence: missense variant. On other transcripts: intron variant (1).
Genome position (GRCh38, 1-based): chr9:138,121,619, G>A. VCF-style: chr9-138121619-G-A. GRCh37 (hg19) VCF-style: chr9-141016071-G-A.
Other names: c.6640G>A (NM_000718.3); c.6490-37G>A (NM_001243812.2); short protein forms A2214T.
Identifiers: ClinVar variation 1990002 (VCV001990002.2), dbSNP rs754203811, ClinGen allele CA5377778.
Genomic context (GRCh38, chr9:138,121,619, plus strand): 5'-CCCCTGACTCCCCGCCCCAGCATCACCTACAAGACGGCCAACTCCTCACCCATCCACTTC[G>A]CCGGGGCTCAGACCAGCCTCCCTGCCTTCTCCCCAGGCCGGCTCAGCCGTGGGCTTTCCG-3'
Protein context (NP_000709.1, residues 2204-2224): KTANSSPIHF[Ala2214Thr]GAQTSLPAFS